The following is an entry in ClinVar:

NM_002439.5(MSH3):c.857C>T (p.Pro286Leu)

Gene: MSH3 (mutS homolog 3; plus strand). Cytogenetic location: 5q14.1.
Variant type: single nucleotide variant.
Coding change: c.857C>T on transcript NM_002439.5 (MANE Select); coding-DNA position 857, C replaced by T.
Protein change: p.Pro286Leu; replaces proline 286 with leucine.
Molecular consequence: missense variant.
Genome position (GRCh38, 1-based): chr5:80,672,308, C>T. VCF-style: chr5-80672308-C-T. GRCh37 (hg19) VCF-style: chr5-79968127-C-T.
Other names: short protein forms P286L.
Identifiers: ClinVar variation 1763911 (VCV001763911.2), dbSNP rs1749741410, ClinGen allele CA360267196.

ClinVar aggregate classification (germline): Uncertain significance (1 of 4 stars; one submission).

Conditions:
Hereditary cancer-predisposing syndrome. Also called: Neoplastic Syndromes, Hereditary; Tumor predisposition; Hereditary Cancer Syndrome; Hereditary neoplastic syndrome. Identifiers: Orphanet 140162, MedGen C0027672, MeSH D009386, MONDO:0015356.

Submission:

Ambry Genetics
Classification: Uncertain significance for Hereditary cancer-predisposing syndrome. Last evaluated: 2023-11-08. Review status: criteria provided, single submitter. Criteria: Ambry Variant Classification Scheme 2023. Collection method: clinical testing. Allele origin: germline.
Comment: The p.P286L variant (also known as c.857C>T), located in coding exon 5 of the MSH3 gene, results from a C to T substitution at nucleotide position 857. The proline at codon 286 is replaced by leucine, an amino acid with similar properties. This amino acid position is highly conserved in available vertebrate species. In addition, this alteration is predicted to be deleterious by in silico analysis. Since supporting evidence is limited at this time, the clinical significance of this alteration remains unclear.